The following is an entry in ClinVar:

ClinVar aggregate classification (germline): Benign/Likely benign. Review status: criteria provided, multiple submitters, no conflicts (2 of 4 stars). 4 submissions from 4 submitters: Benign (3); Likely benign (1). Last evaluated 2021-08-02.

Conditions:
Interstitial lung disease 2 (ILD2). Also called: FIBROCYSTIC PULMONARY DYSPLASIA; FIBROSING ALVEOLITIS, CRYPTOGENIC; Familial idiopathic pulmonary fibrosis. Identifiers: Orphanet 2032, Orphanet 79126, MedGen C5561926, MONDO:0800497, OMIM 178500, MONDO:0800029.

Allele frequency attached by ClinVar (database versions not stated): gnomAD exomes 0.00324; ExAC 0.00382; gnomAD 0.01211 and 0.01285; ESP Exome Variant Server 0.01379; TOPMed 0.01409; 1000 Genomes Project 0.01777; 1000 Genomes Project 30x 0.01843.
gnomAD v4.1: 3,986 of 1,613,558 alleles (0.25%); highest among the groups gnomAD compares: African/African-American, 4%; 83 homozygotes.

Submissions (4):

Fulgent Genetics
Classification: Likely benign for Interstitial lung disease 2. Last evaluated: 2021-08-02. Review status: criteria provided, single submitter. Criteria: ACMG Guidelines, 2015. Collection method: clinical testing. Allele origin: unknown.

Labcorp Genetics (formerly Invitae), Labcorp
Classification: Benign. Last evaluated: 2019-12-31. Review status: criteria provided, single submitter. Criteria: Invitae Variant Classification Sherloc (09022015). Collection method: clinical testing. Allele origin: germline.

Laboratory for Molecular Medicine, Mass General Brigham Personalized Medicine
Classification: Benign. Last evaluated: 2013-02-21. Review status: criteria provided, single submitter. Criteria: LMM Criteria. Collection method: clinical testing. Allele origin: germline. Observed: 1 variant allele.
Comment: Thr1278Thr in exon 30 of MUC5B: This variant is not expected to have clinical si gnificance because it does not alter an amino acid residue and is not located wi thin the splice consensus sequence. It has been identified in 4.0% (172/4316) of African American chromosomes from a broad population by the NHLBI Exome Sequenc ing Project (dbSNP rs55913363).

Breakthrough Genomics
Classification: Benign. Review status: criteria provided, single submitter. Criteria: ACMG Guidelines, 2015. Collection method: not provided. Allele origin: germline. Inheritance: Autosomal dominant inheritance. Affected: yes.

NM_002458.3(MUC5B):c.3834C>T (p.Thr1278=)

Gene: MUC5B (mucin 5B, oligomeric mucus/gel-forming; plus strand). Cytogenetic location: 11p15.5.
Variant type: single nucleotide variant.
Coding change: c.3834C>T on transcript NM_002458.3 (MANE Select); coding-DNA position 3834, C replaced by T.
Protein change: p.Thr1278=; no amino-acid change (threonine 1278 retained).
Molecular consequence: synonymous variant.
Genome position (GRCh38, 1-based): chr11:1,240,239, C>T. VCF-style: chr11-1240239-C-T. GRCh37 (hg19) VCF-style: chr11-1261469-C-T.
Identifiers: ClinVar variation 504733 (VCV000504733.10), dbSNP rs55913363, ClinGen allele CA5805258.